The following is an entry in ClinVar:

NM_000222.3(KIT):c.1337C>A (p.Thr446Asn)

Gene: KIT (KIT proto-oncogene, receptor tyrosine kinase; plus strand). Cytogenetic location: 4q12.
Variant type: single nucleotide variant.
Coding change: c.1337C>A on transcript NM_000222.3 (MANE Select); coding-DNA position 1337, C replaced by A.
Protein change: p.Thr446Asn; replaces threonine 446 with asparagine.
Molecular consequence: missense variant.
Genome position (GRCh38, 1-based): chr4:54,723,689, C>A. VCF-style: chr4-54723689-C-A. GRCh37 (hg19) VCF-style: chr4-55589855-C-A.
Other names: c.1337C>A, p.Thr446Asn (NM_001093772.2, NM_001385285.1, NM_001385286.1); c.1340C>A, p.Thr447Asn (NM_001385284.1, NM_001385288.1, NM_001385290.1 and 1 more transcripts); short protein forms T446N, T447N.
Identifiers: ClinVar variation 649985 (VCV000649985.9), dbSNP rs761984908, ClinGen allele CA356905766.

ClinVar aggregate classification (germline): Uncertain significance (1 of 4 stars; one submission).

Conditions:
Gastrointestinal stromal tumor. Also called: Gastrointestinal stromal tumor, somatic; Gastrointestinal stroma tumor. Identifiers: Orphanet 44890, MedGen C0238198, MeSH D046152, MONDO:0011719, OMIM 606764, HP:0100723.

gnomAD v4.1: 3 of 1,603,360 alleles (0.00019%); highest among the groups gnomAD compares: Non-Finnish European, 0.00026%; no homozygotes.

Submission:

Labcorp Genetics (formerly Invitae), Labcorp
Classification: Uncertain significance for Gastrointestinal stromal tumor. Last evaluated: 2018-12-25. Review status: criteria provided, single submitter. Criteria: Invitae Variant Classification Sherloc (09022015). Collection method: clinical testing. Allele origin: germline.
Comment: In summary, the available evidence is currently insufficient to determine the role of this variant in disease. Therefore, it has been classified as a Variant of Uncertain Significance. Algorithms developed to predict the effect of missense changes on protein structure and function do not agree on the potential impact of this missense change (SIFT: "Tolerated"; PolyPhen-2: "Possibly Damaging"; Align-GVGD: "Class C0"). This variant has not been reported in the literature in individuals with KIT-related disease. This variant is not present in population databases (ExAC no frequency). This sequence change replaces threonine with asparagine at codon 446 of the KIT protein (p.Thr446Asn). The threonine residue is weakly conserved and there is a small physicochemical difference between threonine and asparagine.